The following is an entry in ClinVar:

NM_024741.3(ZNF408):c.1971A>G (p.Gln657=)

Gene: ZNF408 (zinc finger protein 408; plus strand). Cytogenetic location: 11p11.2.
Variant type: single nucleotide variant.
Coding change: c.1971A>G on transcript NM_024741.3 (MANE Select); coding-DNA position 1971, A replaced by G.
Protein change: p.Gln657=; no amino-acid change (glutamine 657 retained).
Molecular consequence: synonymous variant.
Genome position (GRCh38, 1-based): chr11:46,705,671, A>G. VCF-style: chr11-46705671-A-G. GRCh37 (hg19) VCF-style: chr11-46727221-A-G.
Other names: c.1947A>G, p.Gln649= (NM_001184751.2).
Identifiers: ClinVar variation 721620 (VCV000721620.28), dbSNP rs376536252, ClinGen allele CA5966683.

ClinVar aggregate classification (germline): Benign. Review status: criteria provided, multiple submitters, no conflicts (2 of 4 stars). 3 submissions from 3 submitters: Benign (2). 1 of the submissions does not count toward it. Last evaluated 2026-01-21.

Conditions:
ZNF408-related disorder. Also called: ZNF408-related condition.

Allele frequency attached by ClinVar (database versions not stated): gnomAD 0.00002 and 0.00045; ESP Exome Variant Server 0.00008; TOPMed 0.00008; gnomAD exomes 0.00088 and 0.00177; ExAC 0.00222; 1000 Genomes Project 30x 0.00297; 1000 Genomes Project 0.00319.
gnomAD v4.1: 1,352 of 1,613,840 alleles (0.084%); highest among the groups gnomAD compares: South Asian, 1.4%; 24 homozygotes.

Submissions (3):

Labcorp Genetics (formerly Invitae), Labcorp
Classification: Benign. Last evaluated: 2026-01-21. Review status: criteria provided, single submitter. Criteria: Invitae Variant Classification Sherloc (09022015). Collection method: clinical testing. Allele origin: germline.

CeGaT Center for Human Genetics Tuebingen
Classification: Benign. Last evaluated: 2024-07-01. Review status: criteria provided, single submitter. Criteria: CeGaT Center For Human Genetics Tuebingen Variant Classification Criteria Version 2. Collection method: clinical testing. Allele origin: germline. Affected: yes. Observed: 1 variant allele.
Comment: ZNF408: BP4, BP7, BS1, BS2

PreventionGenetics, part of Exact Sciences
Classification: Benign for ZNF408-related condition. Last evaluated: 2024-07-29. Review status: no assertion criteria provided. Collection method: clinical testing. Allele origin: germline. Not counted in ClinVar's aggregate classification.
Comment: This variant is classified as benign based on ACMG/AMP sequence variant interpretation guidelines (Richards et al. 2015 PMID: 25741868, with internal and published modifications).